The following is an entry in ClinVar:

NM_001072.4(UGT1A6):c.793A>G (p.Arg265Gly)

Genes: UGT1A (UDP glucuronosyltransferase family 1 member A complex locus; plus strand), UGT1A10 (UDP glucuronosyltransferase family 1 member A10; plus strand), UGT1A6 (UDP glucuronosyltransferase family 1 member A6; plus strand), UGT1A7 (UDP glucuronosyltransferase family 1 member A7; plus strand), UGT1A8 (UDP glucuronosyltransferase family 1 member A8; plus strand) and 1 more. Cytogenetic location: 2q37.1.
Variant type: single nucleotide variant.
Coding change: c.793A>G on transcript NM_001072.4 (MANE Select); coding-DNA position 793, A replaced by G.
Protein change: p.Arg265Gly; replaces arginine 265 with glycine.
Molecular consequence: missense variant. On other transcripts: intron variant (4), splice acceptor variant (1).
Genome position (GRCh38, 1-based): chr2:233,693,797, A>G. VCF-style: chr2-233693797-A-G. GRCh37 (hg19) VCF-style: chr2-234602443-A-G.
Other names: c.856-73237A>G (NM_019076.5); c.855+56420A>G (NM_019075.4); c.855+21008A>G (NM_021027.3); c.855+11005A>G (NM_019077.3); c.-7-2A>G (NM_205862.3); short protein forms R265G.
Identifiers: ClinVar variation 4685931 (VCV004685931.1).

ClinVar aggregate classification (germline): Uncertain significance (1 of 4 stars; one submission).

gnomAD v4.1: 6 of 1,614,084 alleles (0.00037%); highest among the groups gnomAD compares: Non-Finnish European, 0.00051%; no homozygotes.

Submission:

ARUP Laboratories, Molecular Genetics and Genomics, ARUP Laboratories
Classification: Uncertain significance. Last evaluated: 2025-01-02. Review status: criteria provided, single submitter. Criteria: ARUP Molecular Germline Variant Investigation Process 2024. Collection method: clinical testing. Allele origin: germline.
Comment: The UGT1A6 c.793A>G; p.Arg265Gly variant, to our knowledge, is not reported in the medical literature or gene specific databases. This variant is also absent from the Genome Aggregation Database (v2.1.1), indicating it is not a common polymorphism. Computational analyses are uncertain whether this variant is neutral or deleterious (REVEL: 0.337). Due to limited information, the clinical significance of this variant is uncertain at this time.